The following is an entry in ClinVar:

NM_000264.5(PTCH1):c.1385G>C (p.Cys462Ser)

Gene: PTCH1 (patched 1; minus strand). Cytogenetic location: 9q22.32.
Variant type: single nucleotide variant.
Coding change: c.1385G>C on transcript NM_000264.5 (MANE Select); coding-DNA position 1385, G replaced by C.
Protein change: p.Cys462Ser; replaces cysteine 462 with serine.
Molecular consequence: missense variant. On other transcripts: non-coding transcript variant (1), intron variant (1).
Genome position (GRCh38, 1-based): chr9:95,477,665, C>G on the plus strand (G>C on the coding strand, the complement: PTCH1 is on the minus strand). VCF-style: chr9-95477665-C-G. GRCh37 (hg19) VCF-style: chr9-98239947-C-G.
Other names: c.1187G>C, p.Cys396Ser (NM_001083602.3); c.1382G>C, p.Cys461Ser (NM_001083603.3); c.932G>C, p.Cys311Ser (NM_001083604.3, NM_001083605.3, NM_001083606.3 and 1 more transcripts); c.1347+390G>C (NM_001354918.2); short protein forms C461S, C462S, C311S, C396S.
Identifiers: ClinVar variation 5027462 (VCV005027462.1).

ClinVar aggregate classification (germline): Uncertain significance (1 of 4 stars; one submission).

Conditions:
Hereditary cancer-predisposing syndrome. Also called: Neoplastic Syndromes, Hereditary; Tumor predisposition; Hereditary neoplastic syndrome; Hereditary Cancer Syndrome. Identifiers: Orphanet 140162, MedGen C0027672, MeSH D009386, MONDO:0015356.

Submission:

Ambry Genetics
Classification: Uncertain significance for Hereditary cancer-predisposing syndrome. Last evaluated: 2026-07-06. Review status: criteria provided, single submitter. Criteria: Ambry Variant Classification Scheme 2023. Collection method: clinical testing. Allele origin: germline.
Comment: The p.C396S variant (also known as c.1187G>C), located in coding exon 10 of the PTCH1 gene, results from a G to C substitution at nucleotide position 1187. The cysteine at codon 396 is replaced by serine, an amino acid with dissimilar properties. This amino acid position is conserved. In addition, this alteration is predicted to be deleterious by in silico analysis. Based on the available evidence, the clinical significance of this variant remains unclear.